The following is an entry in ClinVar:

NM_000492.4(CFTR):c.1210-3C>G

Genes: CFTR (CF transmembrane conductance regulator; plus strand), CFTR-AS1 (CFTR antisense RNA 1; minus strand). Cytogenetic location: 7q31.2.
Variant type: single nucleotide variant.
Coding change: c.1210-3C>G on transcript NM_000492.4 (MANE Select); 3 bases into the intron before coding-DNA position 1210, C replaced by G.
Molecular consequence: intron variant.
Genome position (GRCh38, 1-based): chr7:117,548,638, C>G. VCF-style: chr7-117548638-C-G. GRCh37 (hg19) VCF-style: chr7-117188692-C-G.
Other names: c.1210-3C>G (NM_000492.3).
Identifiers: ClinVar variation 2680720 (VCV002680720.3), dbSNP rs1324592887, ClinGen allele CA1737369567.

ClinVar aggregate classification (germline): Likely pathogenic. Review status: criteria provided, multiple submitters, no conflicts (2 of 4 stars). 2 submissions from 2 submitters: Likely pathogenic (2). Last evaluated 2025-03-12.

Conditions:
Cystic fibrosis (CF). Also called: MUCOVISCIDOSIS. Identifiers: Orphanet 586, MedGen C0010674, MONDO:0009061, OMIM 219700. Disease mechanism: loss of function.
Bronchiectasis with or without elevated sweat chloride 1 (BESC1). Also called: Cystic Fibrosis-Like Syndrome. Identifiers: Orphanet 60033, MedGen C2749757, MONDO:0008887, OMIM 211400.

Submissions (2):

Ambry Genetics
Classification: Likely pathogenic for Cystic fibrosis. Last evaluated: 2025-03-12. Review status: criteria provided, single submitter. Criteria: Ambry Variant Classification Scheme 2023. Collection method: clinical testing. Allele origin: germline.
Comment: The c.1210-3C>G intronic variant results from a C to G substitution 3 nucleotides upstream from coding exon 10 in the CFTR gene. This variant, sometimes in cis with a 5T poly-T sequence (TG12T5), has been identified in the homozygous state and/or in conjunction with other CFTR variant(s) in individual(s) who met clinical criteria for cystic fibrosis; in at least one instance, the variants were identified in trans (Xu C et al. Pediatr Pulmonol, 2023 Oct;58:2865-2870; Zhao X et al. Front Med, 2022 Feb;16:150-155). This nucleotide position is not well conserved in available vertebrate species. In silico splice site analysis predicts that this alteration will weaken the native splice acceptor site. The mini-gene assay demonstrated that this variant resulted in an in-frame deletion of CDS10 (Zhao X et al. Front Med, 2022 Feb;16:150-155). This variant is considered to be rare based on population cohorts in the Genome Aggregation Database (gnomAD). Based on the majority of available evidence to date, this variant is likely to be pathogenic.

Baylor Genetics
Classification: Likely pathogenic for Bronchiectasis with or without elevated sweat chloride 1. Last evaluated: 2023-12-10. Review status: criteria provided, single submitter. Criteria: ACMG Guidelines, 2015. Collection method: clinical testing. Allele origin: unknown.

Literature cited by the submitters: PubMed 34302615 (cited by Ambry Genetics); PubMed 37477516 (cited by Ambry Genetics).